The following is an entry in ClinVar:

NM_004360.5(CDH1):c.49-18A>C

Gene: CDH1 (cadherin 1; plus strand). Cytogenetic location: 16q22.1.
Variant type: single nucleotide variant.
Coding change: c.49-18A>C on transcript NM_004360.5 (MANE Select); 18 bases into the intron before coding-DNA position 49, A replaced by C.
Molecular consequence: intron variant.
Genome position (GRCh38, 1-based): chr16:68,738,279, A>C. VCF-style: chr16-68738279-A-C. GRCh37 (hg19) VCF-style: chr16-68772182-A-C.
Other names: c.-1567-18A>C (NM_001317185.2); c.-1771-18A>C (NM_001317186.2); c.49-18A>C (NM_001317184.2).
Identifiers: ClinVar variation 3379324 (VCV003379324.2).
Genomic context (GRCh38, chr16:68,738,279, plus strand): 5'-GGGCGGCGCTGTTGGTTTCGGTGAGCAGGAGGGAACCCTCCGAGTCACCCGGTTCCATCT[A>C]CCTTTCCCCCACCCCAGGTCTCCTCTTGGCTCTGCCAGGAGCCGGAGCCCTGCCACCCTG-3'

ClinVar aggregate classification (germline): Likely benign. Review status: criteria provided, multiple submitters, no conflicts (2 of 4 stars). 2 submissions from 2 submitters: Likely benign (2). Last evaluated 2025-10-13.

Conditions:
Hereditary diffuse gastric adenocarcinoma (HDGC). Also called: DIFFUSE GASTRIC AND LOBULAR BREAST CANCER SYNDROME. Identifiers: Orphanet 26106, MedGen C1708349, MONDO:0007648, OMIM 137215.

Submissions (2):

Labcorp Genetics (formerly Invitae), Labcorp
Classification: Likely benign for Hereditary diffuse gastric adenocarcinoma. Last evaluated: 2025-10-13. Review status: criteria provided, single submitter. Criteria: Invitae Variant Classification Sherloc (09022015). Collection method: clinical testing. Allele origin: germline.

Myriad Genetics, Inc.
Classification: Likely benign for Hereditary diffuse gastric adenocarcinoma. Last evaluated: 2024-09-11. Review status: criteria provided, single submitter. Criteria: Myriad Autosomal Dominant, Autosomal Recessive and X-Linked Classification Criteria (2023). Collection method: clinical testing. Allele origin: unknown.
Comment: This variant is considered likely benign. This variant is intronic and is not expected to impact mRNA splicing.